The following is an entry in ClinVar:

ClinVar aggregate classification (germline): Pathogenic (1 of 4 stars; one submission).

Conditions:
Hereditary hemochromatosis (HFE). Identifiers: MedGen C0392514, MONDO:0006507. Disease mechanism: loss of function.

Submission:

Labcorp Genetics (formerly Invitae), Labcorp
Classification: Pathogenic for Hereditary hemochromatosis. Last evaluated: 2024-08-21. Review status: criteria provided, single submitter. Criteria: Invitae Variant Classification Sherloc (09022015). Collection method: clinical testing. Allele origin: germline.
Comment: This sequence change creates a premature translational stop signal (p.Ser300*) in the HFE gene. It is expected to result in an absent or disrupted protein product. Loss-of-function variants in HFE are known to be pathogenic (PMID: 27518069). This variant is not present in population databases (gnomAD no frequency). This variant has not been reported in the literature in individuals affected with HFE-related conditions. For these reasons, this variant has been classified as Pathogenic.

Literature cited by the submitters: PubMed 27518069.

NM_000410.4(HFE):c.899C>A (p.Ser300Ter)

Gene: HFE (homeostatic iron regulator; plus strand). Cytogenetic location: 6p22.2.
Variant type: single nucleotide variant.
Coding change: c.899C>A on transcript NM_000410.4 (MANE Select); coding-DNA position 899, C replaced by A.
Protein change: p.Ser300Ter; replaces serine 300 with a stop codon.
Molecular consequence: nonsense.
Genome position (GRCh38, 1-based): chr6:26,093,125, C>A. VCF-style: chr6-26093125-C-A. GRCh37 (hg19) VCF-style: chr6-26093353-C-A.
Other names: c.899C>A, p.Ser300Ter (NM_001300749.3, NM_001384164.1); c.890C>A, p.Ser297Ter (NM_001406751.1); c.635C>A, p.Ser212Ter (NM_001406752.1, NM_139007.3); c.581C>A, p.Ser194Ter (NM_139003.3); c.623C>A, p.Ser208Ter (NM_139004.3); c.857C>A, p.Ser286Ter (NM_139006.3); c.593C>A, p.Ser198Ter (NM_139008.3); c.830C>A, p.Ser277Ter (NM_139009.3); and 2 more; short protein forms S120*, S194*, S198*, S208*, S212*, S277*, S28*, S286*.
Identifiers: ClinVar variation 3613304 (VCV003613304.2).